The following is an entry in ClinVar:

NM_004525.3(LRP2):c.7498C>T (p.Arg2500Cys)

Gene: LRP2 (LDL receptor related protein 2; minus strand). Cytogenetic location: 2q31.1.
Variant type: single nucleotide variant.
Coding change: c.7498C>T on transcript NM_004525.3 (MANE Select); coding-DNA position 7498, C replaced by T.
Protein change: p.Arg2500Cys; replaces arginine 2500 with cysteine.
Molecular consequence: missense variant.
Genome position (GRCh38, 1-based): chr2:169,206,081, G>A on the plus strand (C>T on the coding strand, the complement: LRP2 is on the minus strand). VCF-style: chr2-169206081-G-A. GRCh37 (hg19) VCF-style: chr2-170062591-G-A.
Other names: short protein forms R2500C.
Identifiers: ClinVar variation 332134 (VCV000332134.11), dbSNP rs201081898, ClinGen allele CA1954083.

ClinVar aggregate classification (germline): Uncertain significance. Review status: criteria provided, multiple submitters, no conflicts (2 of 4 stars). 4 submissions from 4 submitters: Uncertain significance (4). Last evaluated 2025-07-24.

Conditions:
Donnai-Barrow syndrome. Also called: FACIOOCULOACOUSTICORENAL SYNDROME; DBS/FOAR SYNDROME. Identifiers: Orphanet 2143, MedGen C1857277, MONDO:0009104, OMIM 222448.

Allele frequency attached by ClinVar (database versions not stated): gnomAD 0.00005 and 0.00006; ESP Exome Variant Server 0.00008; TOPMed 0.00009; gnomAD exomes 0.00010; ExAC 0.00012.
gnomAD v4.1: 181 of 1,614,046 alleles (0.011%); highest among the groups gnomAD compares: Admixed American, 0.015%; 1 homozygote.

Submissions (4):

GeneDx
Classification: Uncertain significance. Last evaluated: 2025-07-24. Review status: criteria provided, single submitter. Criteria: GeneDx Variant Classification Process June 2021. Collection method: clinical testing. Allele origin: germline.
Comment: In silico analysis supports that this missense variant has a deleterious effect on protein structure/function; Has not been previously published as pathogenic or benign to our knowledge

Fulgent Genetics
Classification: Uncertain significance for Donnai-Barrow syndrome. Last evaluated: 2024-03-25. Review status: criteria provided, single submitter. Criteria: ACMG Guidelines, 2015. Collection method: clinical testing. Allele origin: germline.

Labcorp Genetics (formerly Invitae), Labcorp
Classification: Uncertain significance. Last evaluated: 2022-08-22. Review status: criteria provided, single submitter. Criteria: Invitae Variant Classification Sherloc (09022015). Collection method: clinical testing. Allele origin: germline.
Comment: This sequence change replaces arginine, which is basic and polar, with cysteine, which is neutral and slightly polar, at codon 2500 of the LRP2 protein (p.Arg2500Cys). This variant is present in population databases (rs201081898, gnomAD 0.02%). This variant has not been reported in the literature in individuals affected with LRP2-related conditions. ClinVar contains an entry for this variant (Variation ID: 332134). Algorithms developed to predict the effect of missense changes on protein structure and function are either unavailable or do not agree on the potential impact of this missense change (SIFT: "Deleterious"; PolyPhen-2: "Benign"; Align-GVGD: "Class C25"). In summary, the available evidence is currently insufficient to determine the role of this variant in disease. Therefore, it has been classified as a Variant of Uncertain Significance.

Illumina Laboratory Services, Illumina
Classification: Uncertain significance for Donnai-Barrow syndrome. Last evaluated: 2018-01-13. Review status: criteria provided, single submitter. Criteria: ICSL Variant Classification Criteria 13 December 2019. Collection method: clinical testing. Allele origin: germline.